The following is an entry in ClinVar:

NM_000038.6(APC):c.201T>A (p.Asp67Glu)

Gene: APC (APC regulator of Wnt signaling pathway; plus strand). Cytogenetic location: 5q22.2.
Variant type: single nucleotide variant.
Coding change: c.201T>A on transcript NM_000038.6 (MANE Select); coding-DNA position 201, T replaced by A.
Protein change: p.Asp67Glu; replaces aspartic acid 67 with glutamic acid.
Molecular consequence: missense variant. On other transcripts: 5 prime UTR variant (4), non-coding transcript variant (2).
Genome position (GRCh38, 1-based): chr5:112,766,391, T>A. VCF-style: chr5-112766391-T-A. GRCh37 (hg19) VCF-style: chr5-112102088-T-A.
Other names: c.201T>A, p.Asp67Glu (NM_001354896.2, NM_001354899.2, NM_001354903.2 and 16 more transcripts); c.231T>A, p.Asp77Glu (NM_001354897.2, NM_001354902.2, NM_001127511.3 and 1 more transcripts); c.126T>A, p.Asp42Glu (NM_001354898.2, NM_001354904.2, NM_001407451.1); c.24T>A, p.Asp8Glu (NM_001354900.2, NM_001354901.2, NM_001354905.2 and 1 more transcripts); c.-835T>A (NM_001354906.2, NM_001407470.1, NM_001407471.1 and 1 more transcripts); short protein forms D42E, D67E, D77E, D8E.
Identifiers: ClinVar variation 3411506 (VCV003411506.1).

ClinVar aggregate classification (germline): Uncertain significance (1 of 4 stars; one submission).

Conditions:
Hereditary cancer-predisposing syndrome. Also called: Neoplastic Syndromes, Hereditary; Tumor predisposition; Hereditary Cancer Syndrome; Hereditary neoplastic syndrome. Identifiers: Orphanet 140162, MedGen C0027672, MeSH D009386, MONDO:0015356.

Submission:

Ambry Genetics
Classification: Uncertain significance for Hereditary cancer-predisposing syndrome. Last evaluated: 2024-10-17. Review status: criteria provided, single submitter. Criteria: Ambry Variant Classification Scheme 2023. Collection method: clinical testing. Allele origin: germline.
Comment: The p.D67E variant (also known as c.201T>A), located in coding exon 2 of the APC gene, results from a T to A substitution at nucleotide position 201. The aspartic acid at codon 67 is replaced by glutamic acid, an amino acid with highly similar properties. This amino acid position is well conserved in available vertebrate species. In addition, in silico predictors for this gene do not accurately predict pathogenicity. Missense alterations in APC are not a common cause of disease (Spier I et al. Genet Med. 2024 Feb;26(2):100992). Based on the available evidence, the clinical significance of this variant remains unclear.